The following is an entry in ClinVar:

ClinVar aggregate classification (germline): Uncertain significance (1 of 4 stars; one submission).

Submission:

GeneDx
Classification: Uncertain significance. Last evaluated: 2024-05-31. Review status: criteria provided, single submitter. Criteria: GeneDx Variant Classification Process June 2021. Collection method: clinical testing. Allele origin: germline. Affected: yes.
Comment: Not observed at significant frequency in large population cohorts (gnomAD); In silico analysis is inconclusive as to whether the variant alters gene splicing. In the absence of RNA/functional studies, the actual effect of this sequence change is unknown.; Has not been previously published as pathogenic or benign to our knowledge

NM_006014.5(LAGE3):c.188+5C>T

Genes: LAGE3 (L antigen family member 3; minus strand), LOC130068876 (ATAC-STARR-seq lymphoblastoid silent region 21109; plus strand). Cytogenetic location: Xq28.
Variant type: single nucleotide variant.
Coding change: c.188+5C>T on transcript NM_006014.5 (MANE Select); 5 bases into the intron after coding-DNA position 188, C replaced by T.
Molecular consequence: intron variant.
Genome position (GRCh38, 1-based): chrX:154,478,723, G>A on the plus strand (C>T on the coding strand, the complement: LAGE3 is on the minus strand). VCF-style: chrX-154478723-G-A. GRCh37 (hg19) VCF-style: chrX-153707062-G-A.
Identifiers: ClinVar variation 3383906 (VCV003383906.1).